The following is an entry in ClinVar:

ClinVar aggregate classification (germline): Uncertain significance. Review status: criteria provided, multiple submitters, no conflicts (2 of 4 stars). 7 submissions from 7 submitters: Uncertain significance (5). 2 of the submissions do not count toward it. Last evaluated 2025-07-23.

Conditions:
Inborn genetic diseases. Identifiers: MedGen C0950123, MeSH D030342.
LAMA2-related muscular dystrophy (LAMA2-RD). Also called: Laminin alpha 2-related dystrophy. Identifiers: MedGen C5679788, MONDO:0100228.
Congenital muscular dystrophy due to partial LAMA2 deficiency. Identifiers: MedGen C1842898.

Allele frequency attached by ClinVar (database versions not stated): TOPMed 0.00003.
gnomAD v4.1: 13 of 1,614,000 alleles (0.00081%); highest among the groups gnomAD compares: Middle Eastern, 0.016%; no homozygotes.

Submissions (7):

Revvity Omics, Revvity
Classification: Uncertain significance. Last evaluated: 2025-07-23. Review status: criteria provided, single submitter. Criteria: ACMG Guidelines, 2015. Collection method: clinical testing. Allele origin: germline.

Labcorp Genetics (formerly Invitae), Labcorp
Classification: Uncertain significance for LAMA2-related muscular dystrophy. Last evaluated: 2022-08-15. Review status: criteria provided, single submitter. Criteria: Invitae Variant Classification Sherloc (09022015). Collection method: clinical testing. Allele origin: germline.
Comment: This sequence change replaces arginine, which is basic and polar, with glycine, which is neutral and non-polar, at codon 1408 of the LAMA2 protein (p.Arg1408Gly). This variant is present in population databases (no rsID available, gnomAD no frequency). This variant has not been reported in the literature in individuals affected with LAMA2-related conditions. ClinVar contains an entry for this variant (Variation ID: 355269). Advanced modeling of protein sequence and biophysical properties (such as structural, functional, and spatial information, amino acid conservation, physicochemical variation, residue mobility, and thermodynamic stability) performed at Invitae indicates that this missense variant is not expected to disrupt LAMA2 protein function. In summary, the available evidence is currently insufficient to determine the role of this variant in disease. Therefore, it has been classified as a Variant of Uncertain Significance.

Ambry Genetics
Classification: Uncertain significance for Inborn genetic diseases. Last evaluated: 2021-07-21. Review status: criteria provided, single submitter. Criteria: Ambry Variant Classification Scheme 2023. Collection method: clinical testing. Allele origin: germline.

Mayo Clinic Laboratories, Mayo Clinic
Classification: Uncertain significance. Last evaluated: 2020-02-11. Review status: criteria provided, single submitter. Criteria: ACMG Guidelines, 2015. Collection method: clinical testing. Allele origin: germline. Observed: 1 variant allele.

Illumina Laboratory Services, Illumina
Classification: Uncertain significance for Congenital muscular dystrophy due to partial LAMA2 deficiency. Last evaluated: 2018-01-12. Review status: criteria provided, single submitter. Criteria: ICSL Variant Classification Criteria 13 December 2019. Collection method: clinical testing. Allele origin: germline.

Clinical Genetics DNA and cytogenetics Diagnostics Lab, Erasmus MC, Erasmus Medical Center
Classification: Likely benign. Review status: no assertion criteria provided. Collection method: clinical testing. Allele origin: germline. Affected: yes. Study: VKGL Data-share Consensus. Not counted in ClinVar's aggregate classification.

Joint Genome Diagnostic Labs from Nijmegen and Maastricht, Radboudumc and MUMC+
Classification: Likely benign. Review status: no assertion criteria provided. Collection method: clinical testing. Allele origin: germline. Affected: yes. Study: VKGL Data-share Consensus. Not counted in ClinVar's aggregate classification.

NM_000426.4(LAMA2):c.4222C>G (p.Arg1408Gly)

Gene: LAMA2 (laminin subunit alpha 2; plus strand). Cytogenetic location: 6q22.33.
Variant type: single nucleotide variant.
Coding change: c.4222C>G on transcript NM_000426.4 (MANE Select); coding-DNA position 4222, C replaced by G.
Protein change: p.Arg1408Gly; replaces arginine 1408 with glycine.
Molecular consequence: missense variant.
Genome position (GRCh38, 1-based): chr6:129,328,323, C>G. VCF-style: chr6-129328323-C-G. GRCh37 (hg19) VCF-style: chr6-129649468-C-G.
Other names: c.4222C>G, p.Arg1408Gly (NM_001079823.2); short protein forms R1408G.
Identifiers: ClinVar variation 355269 (VCV000355269.16), dbSNP rs780127363, ClinGen allele CA10621362.
Genomic context (GRCh38, chr6:129,328,323, plus strand): 5'-TTCCTTTTCTTTCAGGCATGCTTGCCGGGATTTTATCGACTGCGTTCTCAACCAGGTGGC[C>G]GCACCCCTGGACCAACCCTGGGCACCTGTGTTCCATGTCAATGTAATGGACACAGCAGCC-3'
Protein context (NP_000417.3, residues 1398-1418): FYRLRSQPGG[Arg1408Gly]TPGPTLGTCV